The following is an entry in ClinVar:

NM_019885.4(CYP26B1):c.1005C>G (p.Gly335=)

Gene: CYP26B1 (cytochrome P450 family 26 subfamily B member 1; minus strand). Cytogenetic location: 2p13.2.
Variant type: single nucleotide variant.
Coding change: c.1005C>G on transcript NM_019885.4 (MANE Select); coding-DNA position 1005, C replaced by G.
Protein change: p.Gly335=; no amino-acid change (glycine 335 retained).
Molecular consequence: synonymous variant.
Genome position (GRCh38, 1-based): chr2:72,133,164, G>C on the plus strand (C>G on the coding strand, the complement: CYP26B1 is on the minus strand). VCF-style: chr2-72133164-G-C. GRCh37 (hg19) VCF-style: chr2-72360293-G-C.
Other names: c.780C>G, p.Gly260= (NM_001277742.2).
Identifiers: ClinVar variation 2651025 (VCV002651025.24), dbSNP rs148988710, ClinGen allele CA426759296.
Genomic context (GRCh38, chr2:72,133,164, plus strand): 5'-GTCCAGGTAGCGCAGCCCACTGAGCGTGTCCAGGCGCAGTGTGCCCTCGCAGGGGCAGCC[G>C]CCACTGTGCAGGATGCCATGAGCCCGCAGCTCATCCCGCAGCTTCTCCAGCACAGTGGGG-3'
Protein context (NP_063938.1, residues 325-345): ELRAHGILHS[Gly335=]GCPCEGTLRL

ClinVar aggregate classification (germline): Likely benign (1 of 4 stars; one submission).

Submission:

CeGaT Center for Human Genetics Tuebingen
Classification: Likely benign. Last evaluated: 2022-08-01. Review status: criteria provided, single submitter. Criteria: CeGaT Center For Human Genetics Tuebingen Variant Classification Criteria Version 2. Collection method: clinical testing. Allele origin: germline. Affected: yes. Observed: 1 variant allele.
Comment: CYP26B1: PM2:Supporting, BP4, BP7